The following is an entry in ClinVar:

NM_014915.3(ANKRD26):c.3850G>T (p.Ala1284Ser)

Gene: ANKRD26 (ankyrin repeat domain 26; minus strand). Cytogenetic location: 10p12.1.
Variant type: single nucleotide variant.
Coding change: c.3850G>T on transcript NM_014915.3 (MANE Select); coding-DNA position 3850, G replaced by T.
Protein change: p.Ala1284Ser; replaces alanine 1284 with serine.
Molecular consequence: missense variant.
Genome position (GRCh38, 1-based): chr10:27,029,314, C>A on the plus strand (G>T on the coding strand, the complement: ANKRD26 is on the minus strand). VCF-style: chr10-27029314-C-A. GRCh37 (hg19) VCF-style: chr10-27318243-C-A.
Other names: c.3847G>T, p.Ala1283Ser (NM_001256053.2); short protein forms A1283S, A1284S.
Identifiers: ClinVar variation 1803667 (VCV001803667.7), dbSNP rs771416156, ClinGen allele CA5447922.

ClinVar aggregate classification (germline): Uncertain significance. Review status: criteria provided, multiple submitters, no conflicts (2 of 4 stars). 3 submissions from 3 submitters: Uncertain significance (3). Last evaluated 2025-10-28.

Conditions:
Inborn genetic diseases. Identifiers: MedGen C0950123, MeSH D030342.

Allele frequency attached by ClinVar (database versions not stated): gnomAD 0.00001; gnomAD exomes 0.00001; TOPMed 0.00001; ExAC 0.00002.
gnomAD v4.1: 12 of 1,612,620 alleles (0.00074%); highest among the groups gnomAD compares: Admixed American, 0.0033%; no homozygotes.

Submissions (3):

Labcorp Genetics (formerly Invitae), Labcorp
Classification: Uncertain significance. Last evaluated: 2025-10-28. Review status: criteria provided, single submitter. Criteria: Invitae Variant Classification Sherloc (09022015). Collection method: clinical testing. Allele origin: germline.
Comment: This sequence change replaces alanine, which is neutral and non-polar, with serine, which is neutral and polar, at codon 1284 of the ANKRD26 protein (p.Ala1284Ser). This variant is present in population databases (rs771416156, gnomAD 0.004%). This variant has not been reported in the literature in individuals affected with ANKRD26-related conditions. ClinVar contains an entry for this variant (Variation ID: 1803667). An algorithm developed to predict the effect of missense changes on protein structure and function (PolyPhen-2) suggests that this variant is likely to be tolerated. In summary, the available evidence is currently insufficient to determine the role of this variant in disease. Therefore, it has been classified as a Variant of Uncertain Significance.

Ambry Genetics
Classification: Uncertain significance for Inborn genetic diseases. Last evaluated: 2025-01-19. Review status: criteria provided, single submitter. Criteria: Ambry Variant Classification Scheme 2023. Collection method: clinical testing. Allele origin: germline.

GeneDx
Classification: Uncertain significance. Last evaluated: 2022-06-07. Review status: criteria provided, single submitter. Criteria: GeneDx Variant Classification Process June 2021. Collection method: clinical testing. Allele origin: germline. Affected: yes.
Comment: Not observed at significant frequency in large population cohorts (gnomAD); In silico analysis supports that this missense variant does not alter protein structure/function; Has not been previously published as pathogenic or benign to our knowledge